The following is an entry in ClinVar:

NM_182914.3(SYNE2):c.5020T>C (p.Leu1674=)

Gene: SYNE2 (spectrin repeat containing nuclear envelope protein 2; plus strand). Cytogenetic location: 14q23.2.
Variant type: single nucleotide variant.
Coding change: c.5020T>C on transcript NM_182914.3 (MANE Select); coding-DNA position 5020, T replaced by C.
Protein change: p.Leu1674=; no amino-acid change (leucine 1674 retained).
Molecular consequence: synonymous variant.
Genome position (GRCh38, 1-based): chr14:64,017,727, T>C. VCF-style: chr14-64017727-T-C. GRCh37 (hg19) VCF-style: chr14-64484445-T-C.
Other names: c.5020T>C, p.Leu1674= (NM_015180.6).
Identifiers: ClinVar variation 313511 (VCV000313511.40), dbSNP rs201666704, ClinGen allele CA7220366.

ClinVar aggregate classification (germline): Benign/Likely benign. Review status: criteria provided, multiple submitters, no conflicts (2 of 4 stars). 5 submissions from 5 submitters: Benign (1); Likely benign (3). 1 of the submissions does not count toward it. Last evaluated 2025-03-18.

Conditions:
SYNE2-related disorder. Also called: SYNE2-related condition.
Emery-Dreifuss muscular dystrophy 5, autosomal dominant (EDMD5). Also called: EMERY-DREIFUSS MUSCULAR DYSTROPHY 5. Identifiers: Orphanet 261, MedGen C2751805, MONDO:0013072, OMIM 612999.

Allele frequency attached by ClinVar (database versions not stated): gnomAD 0.00010 and 0.00016; TOPMed 0.00014; gnomAD exomes 0.00035; ExAC 0.00040; 1000 Genomes Project 30x 0.00078; 1000 Genomes Project 0.00100.
gnomAD v4.1: 290 of 1,613,742 alleles (0.018%); highest among the groups gnomAD compares: South Asian, 0.19%; 2 homozygotes.

Submissions (5):

Labcorp Genetics (formerly Invitae), Labcorp
Classification: Likely benign for Emery-Dreifuss muscular dystrophy 5, autosomal dominant. Last evaluated: 2025-03-18. Review status: criteria provided, single submitter. Criteria: Invitae Variant Classification Sherloc (09022015). Collection method: clinical testing. Allele origin: germline.

CeGaT Center for Human Genetics Tuebingen
Classification: Likely benign. Last evaluated: 2022-12-01. Review status: criteria provided, single submitter. Criteria: CeGaT Center For Human Genetics Tuebingen Variant Classification Criteria Version 2. Collection method: clinical testing. Allele origin: germline. Affected: yes. Observed: 1 variant allele.
Comment: SYNE2: BP4, BP7

Illumina Laboratory Services, Illumina
Classification: Benign for Emery-Dreifuss muscular dystrophy 5, autosomal dominant. Last evaluated: 2018-01-13. Review status: criteria provided, single submitter. Criteria: ICSL Variant Classification Criteria 13 December 2019. Collection method: clinical testing. Allele origin: germline.
Comment: This variant was observed in the ICSL laboratory as part of a predisposition screen in an ostensibly healthy population. It had not been previously curated by ICSL or reported in the Human Gene Mutation Database (HGMD: prior to June 1st, 2018), and was therefore a candidate for classification through an automated scoring system. Utilizing variant allele frequency, disease prevalence and penetrance estimates, and inheritance mode, an automated score was calculated to assess if this variant is too frequent to cause the disease. Based on the score and internal cut-off values, a variant classified as benign is not then subjected to further curation. The score for this variant resulted in a classification of benign for this disease.

Breakthrough Genomics
Classification: Likely benign. Review status: criteria provided, single submitter. Criteria: ACMG Guidelines, 2015. Collection method: not provided. Allele origin: germline. Inheritance: Autosomal dominant inheritance. Affected: yes.

PreventionGenetics, part of Exact Sciences
Classification: Likely benign for SYNE2-related condition. Last evaluated: 2019-07-01. Review status: no assertion criteria provided. Collection method: clinical testing. Allele origin: germline. Not counted in ClinVar's aggregate classification.
Comment: This variant is classified as likely benign based on ACMG/AMP sequence variant interpretation guidelines (Richards et al. 2015 PMID: 25741868, with internal and published modifications).